The following is an entry in ClinVar:

NM_005883.3(APC2):c.3179C>T (p.Ala1060Val)

Gene: APC2 (APC regulator of WNT signaling pathway 2; plus strand). Cytogenetic location: 19p13.3.
Variant type: single nucleotide variant.
Coding change: c.3179C>T on transcript NM_005883.3 (MANE Select); coding-DNA position 3179, C replaced by T.
Protein change: p.Ala1060Val; replaces alanine 1060 with valine.
Molecular consequence: missense variant.
Genome position (GRCh38, 1-based): chr19:1,466,480, C>T. VCF-style: chr19-1466480-C-T. GRCh37 (hg19) VCF-style: chr19-1466479-C-T.
Other names: c.3176C>T, p.Ala1059Val (NM_001351273.1); short protein forms A1059V, A1060V.
Identifiers: ClinVar variation 1706302 (VCV001706302.2), dbSNP rs1345919067, ClinGen allele CA403028866.

ClinVar aggregate classification (germline): Uncertain significance (1 of 4 stars; one submission).

Allele frequency attached by ClinVar (database versions not stated): TOPMed below 0.00001.

Submission:

GeneDx
Classification: Uncertain significance. Last evaluated: 2022-03-11. Review status: criteria provided, single submitter. Criteria: GeneDx Variant Classification Process June 2021. Collection method: clinical testing. Allele origin: germline. Affected: yes.
Comment: Not observed at significant frequency in large population cohorts (gnomAD); In silico analysis supports that this missense variant does not alter protein structure/function; Has not been previously published as pathogenic or benign to our knowledge